The following is an entry in ClinVar:

ClinVar aggregate classification (germline): Uncertain significance. Review status: criteria provided, single submitter (1 of 4 stars). 2 submissions from 2 submitters: Uncertain significance (1). 1 of the submissions does not count toward it. Last evaluated 2023-08-25.

Conditions:
Dystrophin deficiency.
Cardiomyopathy (CMYO). Also called: Cardiomyopathies. Identifiers: Orphanet 167848, MedGen C0878544, MONDO:0004994, HP:0001638. Inheritance: Various modes of inheritance.
Becker muscular dystrophy (BMD). Also called: Becker Muscular Dystrophy (BMD); MUSCULAR DYSTROPHY, PSEUDOHYPERTROPHIC PROGRESSIVE, BECKER TYPE. Identifiers: Orphanet 98895, MedGen C0917713, MONDO:0010311, OMIM 300376.
Duchenne muscular dystrophy (DMD). Also called: Duchenne Muscular Dystrophy (DMD); MUSCULAR DYSTROPHY, PSEUDOHYPERTROPHIC PROGRESSIVE, DUCHENNE TYPE. Identifiers: Orphanet 98896, MedGen C0013264, MONDO:0010679, OMIM 310200.

Submissions (2):

Labcorp Genetics (formerly Invitae), Labcorp
Classification: Uncertain significance for Duchenne muscular dystrophy. Last evaluated: 2023-08-25. Review status: criteria provided, single submitter. Criteria: Invitae Variant Classification Sherloc (09022015). Collection method: clinical testing. Allele origin: germline.
Comment: In summary, the available evidence is currently insufficient to determine the role of this variant in disease. Therefore, it has been classified as a Variant of Uncertain Significance. Advanced modeling of protein sequence and biophysical properties (such as structural, functional, and spatial information, amino acid conservation, physicochemical variation, residue mobility, and thermodynamic stability) performed at Invitae indicates that this missense variant is not expected to disrupt DMD protein function. ClinVar contains an entry for this variant (Variation ID: 526060). This variant has not been reported in the literature in individuals affected with DMD-related conditions. This variant is not present in population databases (gnomAD no frequency). This sequence change replaces leucine, which is neutral and non-polar, with valine, which is neutral and non-polar, at codon 2023 of the DMD protein (p.Leu2023Val).

Natera, Inc.
Classification: Uncertain significance for Becker muscular dystrophy; Cardiomyopathy; Duchenne muscular dystrophy; Dystrophin deficiency. Last evaluated: 2020-12-28. Review status: no assertion criteria provided. Collection method: clinical testing. Allele origin: germline. Not counted in ClinVar's aggregate classification.

NM_004006.3(DMD):c.6067C>G (p.Leu2023Val)

Gene: DMD (dystrophin; minus strand). Cytogenetic location: Xp21.1.
Variant type: single nucleotide variant.
Coding change: c.6067C>G on transcript NM_004006.3 (MANE Select); coding-DNA position 6067, C replaced by G.
Protein change: p.Leu2023Val; replaces leucine 2023 with valine.
Molecular consequence: missense variant.
Genome position (GRCh38, 1-based): chrX:32,310,132, G>C on the plus strand (C>G on the coding strand, the complement: DMD is on the minus strand). VCF-style: chrX-32310132-G-C. GRCh37 (hg19) VCF-style: chrX-32328249-G-C.
Other names: c.6043C>G, p.Leu2015Val (NM_000109.4); c.6055C>G, p.Leu2019Val (NM_004009.3); c.5698C>G, p.Leu1900Val (NM_004010.3); c.2044C>G, p.Leu682Val (NM_004011.4); c.2035C>G, p.Leu679Val (NM_004012.4); short protein forms L2023V, L682V, L2019V, L679V, L1900V, L2015V.
Identifiers: ClinVar variation 526060 (VCV000526060.10), dbSNP rs869312948, ClinGen allele CA412669649.